The following is an entry in ClinVar:

ClinVar aggregate classification (germline): Uncertain significance (1 of 4 stars; one submission).

Conditions:
KSR2-related disorder. Also called: KSR2-related condition.

gnomAD v4.1: 15 of 1,598,912 alleles (0.00094%); highest among the groups gnomAD compares: Non-Finnish European, 0.0013%; no homozygotes.

Submission:

PreventionGenetics, part of Exact Sciences
Classification: Uncertain significance for KSR2-related condition. Last evaluated: 2025-01-15. Review status: criteria provided, single submitter. Criteria: ACMG Guidelines, 2015. Collection method: clinical testing. Allele origin: germline.
Comment: The KSR2 c.539A>G variant is predicted to result in the amino acid substitution p.Tyr180Cys. To our knowledge, this variant has not been reported in the literature or in a large population database (gnomAD), indicating this variant is rare. At this time, the clinical significance of this variant is uncertain due to the absence of conclusive functional and genetic evidence.

NM_173598.6(KSR2):c.626A>G (p.Tyr209Cys)

Gene: KSR2 (kinase suppressor of ras 2; minus strand). Cytogenetic location: 12q24.23.
Variant type: single nucleotide variant.
Coding change: c.626A>G on transcript NM_173598.6 (MANE Select); coding-DNA position 626, A replaced by G.
Protein change: p.Tyr209Cys; replaces tyrosine 209 with cysteine.
Molecular consequence: missense variant.
Genome position (GRCh38, 1-based): chr12:117,761,371, T>C on the plus strand (A>G on the coding strand, the complement: KSR2 is on the minus strand). VCF-style: chr12-117761371-T-C. GRCh37 (hg19) VCF-style: chr12-118199176-T-C.
Other names: short protein forms Y209C.
Identifiers: ClinVar variation 4992521 (VCV004992521.1).
Genomic context (GRCh38, chr12:117,761,371, plus strand): 5'-ACGGTAAGCCTGTCCACGTGGGTGTACACAGGGGCCCCGGGAGTGGGGCTGGTGTGACAA[T>C]AGTGCTGGACGCACTTGGACGGGACCCTGGGGCTCTGGGAGAGATGGGTGCGGATCCACG-3'
Protein context (NP_775869.4, residues 199-219): PRVPSKCVQH[Tyr209Cys]CHTSPTPGAP